The following is an entry in ClinVar:

NM_001330588.2(TPP2):c.2356C>G (p.Pro786Ala)

Gene: TPP2 (tripeptidyl peptidase 2; plus strand). Cytogenetic location: 13q33.1.
Variant type: single nucleotide variant.
Coding change: c.2356C>G on transcript NM_001330588.2 (MANE Select); coding-DNA position 2356, C replaced by G.
Protein change: p.Pro786Ala; replaces proline 786 with alanine.
Molecular consequence: missense variant. On other transcripts: non-coding transcript variant (1).
Genome position (GRCh38, 1-based): chr13:102,644,972, C>G. VCF-style: chr13-102644972-C-G. GRCh37 (hg19) VCF-style: chr13-103297322-C-G.
Other names: c.2356C>G, p.Pro786Ala (NM_001367947.1, NM_003291.4); short protein forms P786A.
Identifiers: ClinVar variation 1963001 (VCV001963001.5), dbSNP rs751533094, ClinGen allele CA7037985.
Genomic context (GRCh38, chr13:102,644,972, plus strand): 5'-GCATCGGAAGGAATCAACCGCTTTGATGTTCAGTCCTCCTTGAAATACGAAGATCTGGCT[C>G]CCTGCATAACTTTGAAGAACTGGGTCCAAACACTGCGGTATCATTCAATGTTTTAGGAAC-3'
Protein context (NP_001317517.1, residues 776-796): QSSLKYEDLA[Pro786Ala]CITLKNWVQT

ClinVar aggregate classification (germline): Uncertain significance (1 of 4 stars; one submission).

Conditions:
Evans syndrome, immunodeficiency, and premature immunosenescence associated with tripeptidyl-peptidase II deficiency. Identifiers: MedGen CN231723. Disease mechanism: loss of function.

Allele frequency attached by ClinVar (database versions not stated): gnomAD exomes below 0.00001; ExAC 0.00001; gnomAD 0.00001.

Submission:

Labcorp Genetics (formerly Invitae), Labcorp
Classification: Uncertain significance for Evans syndrome, immunodeficiency, and premature immunosenescence associated with tripeptidyl-peptidase II deficiency. Last evaluated: 2024-02-07. Review status: criteria provided, single submitter. Criteria: Invitae Variant Classification Sherloc (09022015). Collection method: clinical testing. Allele origin: germline.
Comment: This sequence change replaces proline, which is neutral and non-polar, with alanine, which is neutral and non-polar, at codon 786 of the TPP2 protein (p.Pro786Ala). This variant is present in population databases (rs751533094, gnomAD 0.0009%). This variant has not been reported in the literature in individuals affected with TPP2-related conditions. ClinVar contains an entry for this variant (Variation ID: 1963001). An algorithm developed to predict the effect of missense changes on protein structure and function (PolyPhen-2) suggests that this variant is likely to be disruptive. In summary, the available evidence is currently insufficient to determine the role of this variant in disease. Therefore, it has been classified as a Variant of Uncertain Significance.